The following is an entry in ClinVar:

NM_014629.4(ARHGEF10):c.401C>A (p.Ala134Glu)

Gene: ARHGEF10 (Rho guanine nucleotide exchange factor 10; plus strand). Cytogenetic location: 8p23.3.
Variant type: single nucleotide variant.
Coding change: c.401C>A on transcript NM_014629.4 (MANE Select); coding-DNA position 401, C replaced by A.
Protein change: p.Ala134Glu; replaces alanine 134 with glutamic acid.
Molecular consequence: missense variant.
Genome position (GRCh38, 1-based): chr8:1,860,104, C>A. VCF-style: chr8-1860104-C-A. GRCh37 (hg19) VCF-style: chr8-1808270-C-A.
Other names: c.401C>A, p.Ala134Glu (NM_001308153.3, NM_001308152.2); short protein forms A134E, A158E.
Identifiers: ClinVar variation 3768178 (VCV003768178.1).
Genomic context (GRCh38, chr8:1,860,104, plus strand): 5'-AGGAGAATGTGGGTCTCCATGTGCCCTGCGGGTACTTGGTGCCTGTACCCTGCGGCTATG[C>A]GGTGCCCTCCAACCTGCCCCTCCTGCTGCCCGCCTACTCCAGCCCGGTCATCATCTGCGC-3'
Protein context (NP_055444.2, residues 124-144): GYLVPVPCGY[Ala134Glu]VPSNLPLLLP

ClinVar aggregate classification (germline): Uncertain significance (1 of 4 stars; one submission).

Submission:

Women's Health and Genetics/Laboratory Corporation of America, LabCorp
Classification: Uncertain significance. Last evaluated: 2024-12-10. Review status: criteria provided, single submitter. Criteria: LabCorp Variant Classification Summary - May 2015. Collection method: clinical testing. Allele origin: germline.
Comment: Variant summary: ARHGEF10 c.401C>A (p.Ala134Glu) results in a non-conservative amino acid change in the encoded protein sequence. Four of five in-silico tools predict a damaging effect of the variant on protein function. The variant was absent in 251280 control chromosomes. The available data on variant occurrences in the general population are insufficient to allow any conclusion about variant significance. To our knowledge, no occurrence of c.401C>A in individuals affected with Autosomal dominant slowed nerve conduction velocity and no experimental evidence demonstrating its impact on protein function have been reported. No submitters have cited clinical-significance assessments for this variant to ClinVar. Based on the evidence outlined above, the variant was classified as uncertain significance.